The following is an entry in ClinVar:

NM_007294.4(BRCA1):c.1235_1238del (p.Val412fs)

Gene: BRCA1 (BRCA1 DNA repair associated; minus strand). Cytogenetic location: 17q21.31.
Variant type: Deletion.
Coding change: c.1235_1238del on transcript NM_007294.4 (MANE Select); coding-DNA positions 1235 to 1238, 4 bases deleted (TATT; older notation c.1235_1238delTATT).
Protein change: p.Val412fs; shifts the reading frame from valine 412.
Molecular consequence: frameshift variant. On other transcripts: intron variant (137).
Genome position (GRCh38, 1-based): chr17:43,094,293-43,094,296, AATA deleted on the plus strand (TATT on the coding strand, the reverse complement: BRCA1 is on the minus strand). VCF-style (leftmost placement, unchanged base first): chr17-43094292-CAATA-C. GRCh37 (hg19) VCF-style: chr17-41246309-CAATA-C.
Other names: c.1091_1094del, p.Val364fs (NM_001407844.1, NM_001407845.1, NM_001407846.1 and 20 more transcripts); c.1094_1097del, p.Val365fs (NM_001407850.1, NM_001407851.1, NM_001407697.1 and 29 more transcripts); c.787+448_787+451del (NM_001407979.1, NM_001407977.1, NM_001407982.1 and 19 more transcripts); c.646+448_646+451del (NM_001408410.1, NM_001408458.1, NM_001408469.1 and 11 more transcripts); c.709+448_709+451del (NM_001408415.1, NM_001408412.1, NM_001408409.1 and 2 more transcripts); c.577+448_577+451del (NM_001408483.1, NM_001408492.1, NM_001408513.1 and 9 more transcripts); c.664+448_664+451del (NM_001408442.1, NM_001408426.1, NM_001408444.1 and 12 more transcripts); c.1235_1238del, p.Val412fs (NM_001407594.1, NM_001407596.1, NM_001407597.1 and 30 more transcripts); and 40 more; short protein forms V116fs, V244fs, V284fs, V285fs, V300fs, V301fs, V323fs, V324fs.
Identifiers: ClinVar variation 2583827 (VCV002583827.5), dbSNP rs2552218830, ClinGen allele CA2582342181.

ClinVar aggregate classification (germline): Pathogenic. Review status: criteria provided, multiple submitters, no conflicts (2 of 4 stars). 2 submissions from 2 submitters: Pathogenic (2). Last evaluated 2023-05-15.

Conditions:
Breast-ovarian cancer, familial, susceptibility to, 1 (BROVCA1). Also called: BRCA1 Hereditary Breast and Ovarian Cancer; OVARIAN CANCER, SUSCEPTIBILITY TO. Identifiers: Orphanet 145, MedGen C2676676, MONDO:0011450, OMIM 604370. Disease mechanism: loss of function.
Hereditary breast ovarian cancer syndrome. Also called: Hereditary breast and ovarian cancer syndrome (HBOC); Breast and ovarian cancer; Hereditary breast and/or ovarian cancer syndrome; Hereditary breast and ovarian cancer syndrome; BRCA1- and BRCA2-Associated Hereditary Breast and Ovarian Cancer; Hereditary breast and ovarian cancer. Identifiers: Orphanet 145, MedGen C0677776, MeSH D061325, MONDO:0003582. Disease mechanism: loss of function.

Submissions (2):

Myriad Genetics, Inc.
Classification: Pathogenic for Breast-ovarian cancer, familial, susceptibility to, 1. Last evaluated: 2023-05-15. Review status: criteria provided, single submitter. Criteria: Myriad Autosomal Dominant, Autosomal Recessive and X-Linked Classification Criteria (2023). Collection method: clinical testing. Allele origin: unknown.
Comment: This variant is considered pathogenic. This variant creates a frameshift predicted to result in premature protein truncation.

Labcorp Genetics (formerly Invitae), Labcorp
Classification: Pathogenic for Hereditary breast ovarian cancer syndrome. Last evaluated: 2023-02-28. Review status: criteria provided, single submitter. Criteria: Invitae Variant Classification Sherloc (09022015). Collection method: clinical testing. Allele origin: germline.
Comment: This variant has not been reported in the literature in individuals affected with BRCA1-related conditions. This sequence change creates a premature translational stop signal (p.Val412Glyfs*4) in the BRCA1 gene. It is expected to result in an absent or disrupted protein product. Loss-of-function variants in BRCA1 are known to be pathogenic (PMID: 20104584). This variant is not present in population databases (gnomAD no frequency). For these reasons, this variant has been classified as Pathogenic.

Literature cited by the submitters: PubMed 20104584 (cited by Labcorp Genetics (formerly Invitae), Labcorp).